The following is an entry in ClinVar:

NM_005228.5(EGFR):c.1320C>A (p.Val440=)

Gene: EGFR (epidermal growth factor receptor; plus strand). Cytogenetic location: 7p11.2.
Variant type: single nucleotide variant.
Coding change: c.1320C>A on transcript NM_005228.5 (MANE Select); coding-DNA position 1320, C replaced by A.
Protein change: p.Val440=; no amino-acid change (valine 440 retained).
Molecular consequence: synonymous variant.
Genome position (GRCh38, 1-based): chr7:55,160,160, C>A. VCF-style: chr7-55160160-C-A. GRCh37 (hg19) VCF-style: chr7-55227853-C-A.
Other names: c.1185C>A, p.Val395= (NM_001346897.2, NM_001346899.2); c.1320C>A, p.Val440= (NM_001346898.2, NM_201282.2, NM_201284.2); c.1161C>A, p.Val387= (NM_001346900.2); c.519C>A, p.Val173= (NM_001346941.2).
Identifiers: ClinVar variation 1027244 (VCV001027244.8), dbSNP rs761495014, ClinGen allele CA454969978.

ClinVar aggregate classification (germline): Uncertain significance (1 of 4 stars; one submission).

Conditions:
EGFR-related lung cancer (EGFR). Identifiers: MedGen CN130014.

Submission:

Labcorp Genetics (formerly Invitae), Labcorp
Classification: Uncertain significance for EGFR-related lung cancer. Last evaluated: 2020-10-01. Review status: criteria provided, single submitter. Criteria: Invitae Variant Classification Sherloc (09022015). Collection method: clinical testing. Allele origin: germline.
Comment: This sequence change affects codon 440 of the EGFR mRNA. It is a 'silent' change, meaning that it does not change the encoded amino acid sequence of the EGFR protein. In summary, the available evidence is currently insufficient to determine the role of this variant in disease. Therefore, it has been classified as a Variant of Uncertain Significance. Algorithms developed to predict the effect of sequence changes on RNA splicing suggest that this variant may create or strengthen a splice site, but this prediction has not been confirmed by published transcriptional studies. This variant has not been reported in the literature in individuals with EGFR-related conditions. This variant is not present in population databases (ExAC no frequency).